The following is an entry in ClinVar:

ClinVar aggregate classification (germline): Uncertain significance (1 of 4 stars; one submission).

Conditions:
AP4M1-related disorder. Also called: AP4M1-related condition.

Allele frequency attached by ClinVar (database versions not stated): ExAC 0.00004; gnomAD 0.00011; TOPMed 0.00012; ESP Exome Variant Server 0.00015.
gnomAD v4.1: 25 of 1,507,782 alleles (0.0017%); highest among the groups gnomAD compares: African/African-American, 0.03%; no homozygotes.

Submission:

PreventionGenetics, part of Exact Sciences
Classification: Uncertain significance for AP4M1-related condition. Last evaluated: 2023-05-18. Review status: criteria provided, single submitter. Criteria: ACMG Guidelines, 2015. Collection method: clinical testing. Allele origin: germline.
Comment: The AP4M1 c.57C>T variant is not predicted to result in an amino acid change (p.=). This variant is predicted to have a minimal impact on splicing based on available splicing prediction programs (Alamut Visual Plus v1.6.1), however, such computer prediction programs are imperfect. To our knowledge, this variant has not been reported in the literature. This variant is reported in 0.037% of alleles in individuals of African descent in gnomAD. At this time, the clinical significance of this variant is uncertain due to the absence of conclusive functional and genetic evidence.

NM_004722.4(AP4M1):c.57C>T (p.Asp19=)

Gene: AP4M1 (adaptor related protein complex 4 subunit mu 1; plus strand). Cytogenetic location: 7q22.1.
Variant type: single nucleotide variant.
Coding change: c.57C>T on transcript NM_004722.4 (MANE Select); coding-DNA position 57, C replaced by T.
Protein change: p.Asp19=; no amino-acid change (aspartic acid 19 retained).
Molecular consequence: synonymous variant.
Genome position (GRCh38, 1-based): chr7:100,101,771, C>T. VCF-style: chr7-100101771-C-T. GRCh37 (hg19) VCF-style: chr7-99699394-C-T.
Other names: c.57C>T, p.Asp19= (NM_001363671.2).
Identifiers: ClinVar variation 2634768 (VCV002634768.1), dbSNP rs149661783, ClinGen allele CA4374383.